The following is an entry in ClinVar:

NM_001211.6(BUB1B):c.375G>T (p.Trp125Cys)

Gene: BUB1B (BUB1 mitotic checkpoint serine/threonine kinase B; plus strand). Cytogenetic location: 15q15.1.
Variant type: single nucleotide variant.
Coding change: c.375G>T on transcript NM_001211.6 (MANE Select); coding-DNA position 375, G replaced by T.
Protein change: p.Trp125Cys; replaces tryptophan 125 with cysteine.
Molecular consequence: missense variant.
Genome position (GRCh38, 1-based): chr15:40,170,672, G>T. VCF-style: chr15-40170672-G-T. GRCh37 (hg19) VCF-style: chr15-40462873-G-T.
Other names: short protein forms W125C.
Identifiers: ClinVar variation 3993698 (VCV003993698.1).

ClinVar aggregate classification (germline): Uncertain significance (1 of 4 stars; one submission).

Conditions:
Inborn genetic diseases. Identifiers: MedGen C0950123, MeSH D030342.

gnomAD v4.1: 1 of 1,613,408 alleles (0.000062%); highest among the groups gnomAD compares: Non-Finnish European, 0.000085%; no homozygotes.

Submission:

Ambry Genetics
Classification: Uncertain significance for Inborn genetic diseases. Last evaluated: 2025-04-03. Review status: criteria provided, single submitter. Criteria: Ambry Variant Classification Scheme 2023. Collection method: clinical testing. Allele origin: germline.
Comment: The p.W125C variant (also known as c.375G>T), located in coding exon 4 of the BUB1B gene, results from a G to T substitution at nucleotide position 375. The tryptophan at codon 125 is replaced by cysteine, an amino acid with highly dissimilar properties. This amino acid position is conserved. In addition, this alteration is predicted to be deleterious by in silico analysis. Based on the available evidence, the clinical significance of this variant remains unclear.